The following is an entry in ClinVar:

ClinVar aggregate classification (germline): Likely pathogenic (1 of 4 stars; one submission).

Conditions:
ALG1-congenital disorder of glycosylation. Also called: CDG Ik; ALG1-CDG; CONGENITAL DISORDER OF GLYCOSYLATION, TYPE Ik. Identifiers: Orphanet 79327, MedGen C2931005, MONDO:0012052, OMIM 608540.

Allele frequency attached by ClinVar (database versions not stated): gnomAD exomes below 0.00001.
gnomAD v4.1: 1 of 1,613,736 alleles (0.000062%); highest among the groups gnomAD compares: South Asian, 0.0011%; no homozygotes.

Submission:

Labcorp Genetics (formerly Invitae), Labcorp
Classification: Likely pathogenic for ALG1-congenital disorder of glycosylation. Last evaluated: 2023-05-11. Review status: criteria provided, single submitter. Criteria: Invitae Variant Classification Sherloc (09022015). Collection method: clinical testing. Allele origin: germline.
Comment: This sequence change affects an acceptor splice site in intron 4 of the ALG1 gene. It is expected to disrupt RNA splicing. Variants that disrupt the donor or acceptor splice site typically lead to a loss of protein function (PMID: 16199547), and loss-of-function variants in ALG1 are known to be pathogenic (PMID: 20679665, 23806237). This variant is not present in population databases (gnomAD no frequency). This variant has not been reported in the literature in individuals affected with ALG1-related conditions. Algorithms developed to predict the effect of sequence changes on RNA splicing suggest that this variant may disrupt the consensus splice site. In summary, the currently available evidence indicates that the variant is pathogenic, but additional data are needed to prove that conclusively. Therefore, this variant has been classified as Likely Pathogenic.

Literature cited by the submitters: PubMed 16199547; PubMed 20679665; PubMed 23806237.

NM_019109.5(ALG1):c.540-2A>T

Gene: ALG1 (ALG1 chitobiosyldiphosphodolichol beta-mannosyltransferase; plus strand). Cytogenetic location: 16p13.3.
Variant type: single nucleotide variant.
Coding change: c.540-2A>T on transcript NM_019109.5 (MANE Select); the canonical splice acceptor site of the intron before coding-DNA position 540, A replaced by T.
Molecular consequence: splice acceptor variant.
Genome position (GRCh38, 1-based): chr16:5,077,443, A>T. VCF-style: chr16-5077443-A-T. GRCh37 (hg19) VCF-style: chr16-5127444-A-T.
Other names: c.207-2A>T (NM_001330504.2).
Identifiers: ClinVar variation 3023754 (VCV003023754.3), dbSNP rs1956933594, ClinGen allele CA394681209.